The following is an entry in ClinVar:

NC_000002.12:g.229791593_229803820del

Gene: TRIP12 (thyroid hormone receptor interactor 12; minus strand). Cytogenetic location: 2q36.3.
Variant type: Deletion.
Identifiers: ClinVar variation 4891538 (VCV004891538.1).

ClinVar aggregate classification (germline): Likely pathogenic (1 of 4 stars; one submission).

Conditions:
Clark-Baraitser syndrome. Also called: MENTAL RETARDATION, AUTOSOMAL DOMINANT 49; BARAITSER SYNDROME; Mental retardation, tall stature, obesity, macrocephaly and typical facial features; Intellectual disability, autosomal dominant 49. Identifiers: Orphanet 600731, MedGen C2931130, MONDO:0030914, OMIM 617752.

Submission:

Clinical Genetics Laboratory, University Hospital Schleswig-Holstein
Classification: Likely pathogenic for Clark-Baraitser syndrome. Last evaluated: 2025-12-11. Review status: criteria provided, single submitter. Criteria: ACMG Guidelines, 2015. Collection method: clinical testing. Allele origin: de novo. Affected: yes. Observed: 1 heterozygote.
Comment: ACMG criteria applied: PM2, PVS1_Strong, PS2_Moderate